The following is an entry in ClinVar:

NM_001378418.1(TCF20):c.5807T>C (p.Leu1936Pro)

Gene: TCF20 (transcription factor 20; minus strand). Cytogenetic location: 22q13.2.
Variant type: single nucleotide variant.
Coding change: c.5807T>C on transcript NM_001378418.1 (MANE Select); coding-DNA position 5807, T replaced by C.
Protein change: p.Leu1936Pro; replaces leucine 1936 with proline.
Molecular consequence: missense variant. On other transcripts: intron variant (1).
Genome position (GRCh38, 1-based): chr22:42,168,729, A>G on the plus strand (T>C on the coding strand, the complement: TCF20 is on the minus strand). VCF-style: chr22-42168729-A-G. GRCh37 (hg19) VCF-style: chr22-42564735-A-G.
Other names: c.5807T>C, p.Leu1936Pro (NM_005650.4); c.5799+1118T>C (NM_181492.3); short protein forms L1936P.
Identifiers: ClinVar variation 1809892 (VCV001809892.1), dbSNP rs2518032654, ClinGen allele CA411773834.

ClinVar aggregate classification (germline): Uncertain significance (1 of 4 stars; one submission).

gnomAD v4.1: 2 of 1,609,528 alleles (0.00012%); highest among the groups gnomAD compares: Non-Finnish European, 0.00017%; no homozygotes.

Submission:

GeneDx
Classification: Uncertain significance. Last evaluated: 2022-06-29. Review status: criteria provided, single submitter. Criteria: GeneDx Variant Classification Process June 2021. Collection method: clinical testing. Allele origin: germline. Affected: yes.
Comment: Not observed at significant frequency in large population cohorts (gnomAD); In silico analysis supports that this missense variant does not alter protein structure/function; Has not been previously published as pathogenic or benign to our knowledge